The following is an entry in ClinVar:

NM_002454.3(MTRR):c.177C>G (p.Thr59=)

Gene: MTRR (5-methyltetrahydrofolate-homocysteine methyltransferase reductase; plus strand). Cytogenetic location: 5p15.31.
Variant type: single nucleotide variant.
Coding change: c.177C>G on transcript NM_002454.3 (MANE Select); coding-DNA position 177, C replaced by G.
Protein change: p.Thr59=; no amino-acid change (threonine 59 retained).
Molecular consequence: synonymous variant. On other transcripts: non-coding transcript variant (8).
Genome position (GRCh38, 1-based): chr5:7,873,420, C>G. VCF-style: chr5-7873420-C-G. GRCh37 (hg19) VCF-style: chr5-7873533-C-G.
Other names: c.177C>G, p.Thr59= (NM_001364440.2, NM_001364441.2, NM_001364442.2 and 1 more transcripts).
Identifiers: ClinVar variation 389638 (VCV000389638.16), dbSNP rs142098262, ClinGen allele CA3195509.

ClinVar aggregate classification (germline): Benign/Likely benign. Review status: criteria provided, multiple submitters, no conflicts (2 of 4 stars). 4 submissions from 4 submitters: Benign (2); Likely benign (2). Last evaluated 2026-01-13.

Conditions:
Disorders of Intracellular Cobalamin Metabolism. Identifiers: MedGen CN043592.
Methylcobalamin deficiency type cblE (HMAE). Also called: VITAMIN B12-RESPONSIVE HOMOCYSTINURIA, cblE TYPE; HOMOCYSTINURIA-MEGALOBLASTIC ANEMIA, cblE COMPLEMENTATION TYPE; HOMOCYSTINURIA-MEGALOBLASTIC ANEMIA, cblE TYPE. Identifiers: Orphanet 2169, Orphanet 622, MedGen C1856057, MONDO:0009354, OMIM 236270.

Allele frequency attached by ClinVar (database versions not stated): ESP Exome Variant Server 0.00015; TOPMed 0.00024; gnomAD 0.00135 and 0.00147.

Submissions (4):

Labcorp Genetics (formerly Invitae), Labcorp
Classification: Benign for Methylcobalamin deficiency type cblE. Last evaluated: 2026-01-13. Review status: criteria provided, single submitter. Criteria: Invitae Variant Classification Sherloc (09022015). Collection method: clinical testing. Allele origin: germline.

Blueprint Genetics
Classification: Likely benign. Last evaluated: 2024-09-04. Review status: criteria provided, single submitter. Criteria: ACMG Guidelines, 2015. Collection method: clinical testing. Allele origin: germline.

Illumina Laboratory Services, Illumina
Classification: Benign for Disorders of Intracellular Cobalamin Metabolism. Last evaluated: 2017-04-28. Review status: criteria provided, single submitter. Criteria: ICSL Variant Classification Criteria 13 December 2019. Collection method: clinical testing. Allele origin: germline.
Comment: This variant was observed as part of a predisposition screen in an ostensibly healthy population. A literature search was performed for the gene, cDNA change, and amino acid change (where applicable). No publications were found based on this search. Allele frequency data from public databases was too high to be consistent with this variant causing disease. Therefore, this variant is classified as benign.

GeneDx
Classification: Likely benign. Last evaluated: 2016-10-11. Review status: criteria provided, single submitter. Criteria: GeneDx Variant Classification (06012015). Collection method: clinical testing. Allele origin: germline. Affected: yes.
Comment: This variant is considered likely benign or benign based on one or more of the following criteria: it is a conservative change, it occurs at a poorly conserved position in the protein, it is predicted to be benign by multiple in silico algorithms, and/or has population frequency not consistent with disease.